The following is an entry in ClinVar:

ClinVar aggregate classification (germline): Uncertain significance. Review status: criteria provided, multiple submitters, no conflicts (2 of 4 stars). 2 submissions from 2 submitters: Uncertain significance (2). Last evaluated 2024-11-22.

Conditions:
Early-infantile DEE. Also called: Ohtahara syndrome; Early infantile epileptic encephalopathy with suppression bursts; Early infantile epileptic encephalopathy. Identifiers: Orphanet 1934, MedGen C0393706, MONDO:0800491.

Allele frequency attached by ClinVar (database versions not stated): TOPMed 0.00001; ExAC 0.00001; gnomAD exomes below 0.00001.
gnomAD v4.1: 2 of 1,600,368 alleles (0.00012%); highest among the groups gnomAD compares: African/African-American, 0.0027%; no homozygotes.

Submissions (2):

Greenwood Genetic Center Diagnostic Laboratories, Greenwood Genetic Center
Classification: Uncertain significance. Last evaluated: 2024-11-22. Review status: criteria provided, single submitter. Criteria: ACMG Guidelines, 2015. Collection method: clinical testing. Allele origin: germline. Affected: yes.
Comment: PM2, PP2

Labcorp Genetics (formerly Invitae), Labcorp
Classification: Uncertain significance for Early-infantile DEE. Last evaluated: 2024-07-06. Review status: criteria provided, single submitter. Criteria: Invitae Variant Classification Sherloc (09022015). Collection method: clinical testing. Allele origin: germline.
Comment: This sequence change replaces arginine, which is basic and polar, with histidine, which is basic and polar, at codon 662 of the SCN8A protein (p.Arg662His). This variant is present in population databases (rs776013286, gnomAD 0.01%). This missense change has been observed in individual(s) with benign familial neonatal-infantile seizures (PMID: 34120799). Advanced modeling of protein sequence and biophysical properties (such as structural, functional, and spatial information, amino acid conservation, physicochemical variation, residue mobility, and thermodynamic stability) performed at Invitae indicates that this missense variant is not expected to disrupt SCN8A protein function with a negative predictive value of 95%. In summary, the available evidence is currently insufficient to determine the role of this variant in disease. Therefore, it has been classified as a Variant of Uncertain Significance.

Literature cited by the submitters: PubMed 34120799 (cited by Labcorp Genetics (formerly Invitae), Labcorp).

NM_001330260.2(SCN8A):c.1985G>A (p.Arg662His)

Gene: SCN8A (sodium voltage-gated channel alpha subunit 8; plus strand). Cytogenetic location: 12q13.13.
Variant type: single nucleotide variant.
Coding change: c.1985G>A on transcript NM_001330260.2 (MANE Select); coding-DNA position 1985, G replaced by A.
Protein change: p.Arg662His; replaces arginine 662 with histidine.
Molecular consequence: missense variant.
Genome position (GRCh38, 1-based): chr12:51,721,895, G>A. VCF-style: chr12-51721895-G-A. GRCh37 (hg19) VCF-style: chr12-52115679-G-A.
Other names: c.1985G>A, p.Arg662His (NM_001177984.3, NM_001369788.1, NM_014191.4); short protein forms R662H.
Identifiers: ClinVar variation 2971745 (VCV002971745.4), dbSNP rs776013286, ClinGen allele CA6571370.